The following is an entry in ClinVar:

NM_000215.4(JAK3):c.1618C>T (p.Arg540Cys)

Gene: JAK3 (Janus kinase 3; minus strand). Cytogenetic location: 19p13.11.
Variant type: single nucleotide variant.
Coding change: c.1618C>T on transcript NM_000215.4 (MANE Select); coding-DNA position 1618, C replaced by T.
Protein change: p.Arg540Cys; replaces arginine 540 with cysteine.
Molecular consequence: missense variant.
Genome position (GRCh38, 1-based): chr19:17,838,015, G>A on the plus strand (C>T on the coding strand, the complement: JAK3 is on the minus strand). VCF-style: chr19-17838015-G-A. GRCh37 (hg19) VCF-style: chr19-17948824-G-A.
Other names: short protein forms R540C.
Identifiers: ClinVar variation 941606 (VCV000941606.8), dbSNP rs747854515, ClinGen allele CA9301834.

ClinVar aggregate classification (germline): Uncertain significance. Review status: criteria provided, multiple submitters, no conflicts (2 of 4 stars). 2 submissions from 2 submitters: Uncertain significance (2). Last evaluated 2022-07-19.

Conditions:
T-B+ severe combined immunodeficiency due to JAK3 deficiency. Also called: SCID, T CELL-NEGATIVE, B CELL-POSITIVE, NK CELL-NEGATIVE; SCID, autosomal recessive, T-negative/B-positive type. Identifiers: Orphanet 35078, MedGen C1833275, MONDO:0010938, OMIM 600802.

Allele frequency attached by ClinVar (database versions not stated): gnomAD 0.00002; TOPMed 0.00004.
gnomAD v4.1: 59 of 1,613,940 alleles (0.0037%); highest among the groups gnomAD compares: Non-Finnish European, 0.0046%; no homozygotes.

Submissions (2):

Labcorp Genetics (formerly Invitae), Labcorp
Classification: Uncertain significance for T-B+ severe combined immunodeficiency due to JAK3 deficiency. Last evaluated: 2022-07-19. Review status: criteria provided, single submitter. Criteria: Invitae Variant Classification Sherloc (09022015). Collection method: clinical testing. Allele origin: germline.
Comment: This sequence change replaces arginine, which is basic and polar, with cysteine, which is neutral and slightly polar, at codon 540 of the JAK3 protein (p.Arg540Cys). This variant is present in population databases (rs747854515, gnomAD 0.006%). This variant has not been reported in the literature in individuals affected with JAK3-related conditions. ClinVar contains an entry for this variant (Variation ID: 941606). Algorithms developed to predict the effect of missense changes on protein structure and function (SIFT, PolyPhen-2, Align-GVGD) all suggest that this variant is likely to be disruptive. In summary, the available evidence is currently insufficient to determine the role of this variant in disease. Therefore, it has been classified as a Variant of Uncertain Significance.

Blueprint Genetics
Classification: Uncertain significance. Last evaluated: 2021-12-01. Review status: criteria provided, single submitter. Criteria: ACMG Guidelines, 2015. Collection method: clinical testing. Allele origin: germline.